The following is an entry in ClinVar:

NM_032776.3(JMJD1C):c.4228A>G (p.Ser1410Gly)

Gene: JMJD1C (jumonji domain containing 1C; minus strand). Cytogenetic location: 10q21.3.
Variant type: single nucleotide variant.
Coding change: c.4228A>G on transcript NM_032776.3 (MANE Select); coding-DNA position 4228, A replaced by G.
Protein change: p.Ser1410Gly; replaces serine 1410 with glycine.
Molecular consequence: missense variant. On other transcripts: non-coding transcript variant (1).
Genome position (GRCh38, 1-based): chr10:63,207,441, T>C on the plus strand (A>G on the coding strand, the complement: JMJD1C is on the minus strand). VCF-style: chr10-63207441-T-C. GRCh37 (hg19) VCF-style: chr10-64967201-T-C.
Other names: c.4114A>G, p.Ser1372Gly (NM_001322252.2); c.3571A>G, p.Ser1191Gly (NM_001322254.2, NM_001322258.2); c.3682A>G, p.Ser1228Gly (NM_001282948.2, NM_001318154.2); c.3364A>G, p.Ser1122Gly (NM_001318153.2); short protein forms S1122G, S1191G, S1228G, S1372G, S1410G.
Identifiers: ClinVar variation 4534688 (VCV004534688.6).

ClinVar aggregate classification (germline): Uncertain significance (1 of 4 stars; one submission).

gnomAD v4.1: 1 of 1,614,090 alleles (0.000062%); highest among the groups gnomAD compares: Non-Finnish European, 0.000085%; no homozygotes.

Submission:

CeGaT Center for Human Genetics Tuebingen
Classification: Uncertain significance. Last evaluated: 2025-11-01. Review status: criteria provided, single submitter. Criteria: CeGaT Center For Human Genetics Tuebingen Variant Classification Criteria Version 2. Collection method: clinical testing. Allele origin: germline. Affected: yes. Observed: 1 variant allele.
Comment: JMJD1C: PM2, BP4